The following is an entry in ClinVar:

ClinVar aggregate classification (germline): Uncertain significance (1 of 4 stars; one submission).

Conditions:
Aortic aneurysm, familial thoracic 4 (AAT4). Also called: AORTIC ANEURYSM/AORTIC DISSECTION AND PATENT DUCTUS ARTERIOSUS. Identifiers: MedGen C1851504, MONDO:0007568, OMIM 132900.

Allele frequency attached by ClinVar (database versions not stated): gnomAD exomes below 0.00001.
gnomAD v4.1: 1 of 1,610,004 alleles (0.000062%); highest among the groups gnomAD compares: Non-Finnish European, 0.000085%; no homozygotes.

Submission:

Labcorp Genetics (formerly Invitae), Labcorp
Classification: Uncertain significance for Aortic aneurysm, familial thoracic 4. Last evaluated: 2023-08-14. Review status: criteria provided, single submitter. Criteria: Invitae Variant Classification Sherloc (09022015). Collection method: clinical testing. Allele origin: germline.
Comment: This sequence change replaces alanine, which is neutral and non-polar, with threonine, which is neutral and polar, at codon 1781 of the MYH11 protein (p.Ala1781Thr). In summary, the available evidence is currently insufficient to determine the role of this variant in disease. Therefore, it has been classified as a Variant of Uncertain Significance. Advanced modeling of protein sequence and biophysical properties (such as structural, functional, and spatial information, amino acid conservation, physicochemical variation, residue mobility, and thermodynamic stability) performed at Invitae indicates that this missense variant is not expected to disrupt MYH11 protein function. This variant has not been reported in the literature in individuals affected with MYH11-related conditions. This variant is not present in population databases (gnomAD no frequency).

NM_002474.3(MYH11):c.5320G>A (p.Ala1774Thr)

Genes: NDE1 (nudE neurodevelopment protein 1; plus strand), MYH11 (myosin heavy chain 11; minus strand). Cytogenetic location: 16p13.11.
Variant type: single nucleotide variant.
Coding change: c.5320G>A on transcript NM_002474.3 (MANE Select); coding-DNA position 5320, G replaced by A.
Protein change: p.Ala1774Thr; replaces alanine 1774 with threonine.
Molecular consequence: missense variant. On other transcripts: intron variant (2).
Genome position (GRCh38, 1-based): chr16:15,717,324, C>T on the plus strand (G>A on the coding strand, the complement: MYH11 is on the minus strand). VCF-style: chr16-15717324-C-T. GRCh37 (hg19) VCF-style: chr16-15811181-C-T.
Other names: c.5341G>A, p.Ala1781Thr (NM_001040113.2, NM_001040114.2); c.5320G>A, p.Ala1774Thr (NM_022844.3); c.948-6867C>T (NM_001143979.2, NM_017668.3); short protein forms A1774T, A1781T.
Identifiers: ClinVar variation 2910503 (VCV002910503.3), dbSNP rs1424202630, ClinGen allele CA394849310.